The following is an entry in ClinVar:

NC_000001.11:g.(?_193122201)_(193250712_?)dup

Genes: B3GALT2 (beta-1,3-galactosyltransferase 2; minus strand), CDC73 (cell division cycle 73; plus strand). Cytogenetic location: 1q31.2.
Variant type: Duplication.
Identifiers: ClinVar variation 830660 (VCV000830660.3).

ClinVar aggregate classification (germline): Uncertain significance (1 of 4 stars; one submission).

Conditions:
Parathyroid carcinoma (PRTC). Also called: Parathyroid gland carcinoma; CDC73-Related Parathyroid Carcinoma. Identifiers: Orphanet 143, MedGen C0687150, MONDO:0012004, OMIM 608266, HP:0006780.

Submission:

Labcorp Genetics (formerly Invitae), Labcorp
Classification: Uncertain significance for Parathyroid carcinoma. Last evaluated: 2022-09-01. Review status: criteria provided, single submitter. Criteria: Invitae Variant Classification Sherloc (09022015). Collection method: clinical testing. Allele origin: germline.
Comment: A copy number gain of the genomic region encompassing the full coding sequence of the CDC73 gene has been identified. The boundaries of this event are unknown as they extend beyond the assayed region for this gene and therefore may encompass additional genes. As the precise location of this event is unknown, it may be in tandem or it may be located elsewhere in the genome. This variant has not been reported in the literature in individuals affected with CDC73-related conditions. In summary, the available evidence is currently insufficient to determine the role of this variant in disease. Therefore, it has been classified as a Variant of Uncertain Significance.